The following is an entry in ClinVar:

ClinVar aggregate classification (germline): Benign (0 of 4 stars; one submission).

Conditions:
TLL1-related disorder. Also called: TLL1-related condition.

Allele frequency attached by ClinVar (database versions not stated): 1000 Genomes Project 0.00639; 1000 Genomes Project 30x 0.00718; TOPMed 0.01546; ExAC 0.01712; gnomAD 0.01760; ESP Exome Variant Server 0.01845; gnomAD exomes 0.02547.
gnomAD v4.1: 39,192 of 1,599,596 alleles (2.5%); highest among the groups gnomAD compares: Non-Finnish European, 3%; 567 homozygotes.

Submission:

PreventionGenetics, part of Exact Sciences
Classification: Benign for TLL1-related condition. Last evaluated: 2019-05-22. Review status: no assertion criteria provided. Collection method: clinical testing. Allele origin: germline.
Comment: This variant is classified as benign based on ACMG/AMP sequence variant interpretation guidelines (Richards et al. 2015 PMID: 25741868, with internal and published modifications).

NM_012464.5(TLL1):c.1159-10C>T

Gene: TLL1 (tolloid like 1; plus strand). Cytogenetic location: 4q32.3.
Variant type: single nucleotide variant.
Coding change: c.1159-10C>T on transcript NM_012464.5 (MANE Select); 10 bases into the intron before coding-DNA position 1159, C replaced by T.
Molecular consequence: intron variant.
Genome position (GRCh38, 1-based): chr4:166,039,329, C>T. VCF-style: chr4-166039329-C-T. GRCh37 (hg19) VCF-style: chr4-166960481-C-T.
Identifiers: ClinVar variation 3037583 (VCV003037583.2), dbSNP rs41280515, ClinGen allele CA3130821.
Genomic context (GRCh38, chr4:166,039,329, plus strand): 5'-TTAGGAATCAAATCACTATATGTAGATACAATCATTTTTACTCTGTGGGTTGCTTACCTC[C>T]ATTTTGCAGATTGTTTTAAATTTTACAACGATGGATCTATACAAGAGTAGTTTGTGCTGG-3'